The following is an entry in ClinVar:

ClinVar aggregate classification (germline): Likely pathogenic (1 of 4 stars; one submission).

Conditions:
PIEZO1-related disorder. Also called: PIEZO1-related condition; PIEZO1-Related Disorders.

Submission:

Greenwood Genetic Center Diagnostic Laboratories, Greenwood Genetic Center
Classification: Likely pathogenic for PIEZO1-related disorder. Last evaluated: 2025-01-31. Review status: criteria provided, single submitter. Criteria: ACMG Guidelines, 2015. Collection method: clinical testing. Allele origin: germline. Affected: yes.
Comment: PVS1, PM2

NM_001142864.4(PIEZO1):c.7129+2T>C

Gene: PIEZO1 (piezo type mechanosensitive ion channel component 1 (Er blood group); minus strand). Cytogenetic location: 16q24.3.
Variant type: single nucleotide variant.
Coding change: c.7129+2T>C on transcript NM_001142864.4 (MANE Select); the canonical splice donor site of the intron after coding-DNA position 7129, T replaced by C.
Molecular consequence: splice donor variant.
Genome position (GRCh38, 1-based): chr16:88,716,196, A>G on the plus strand (T>C on the coding strand, the complement: PIEZO1 is on the minus strand). VCF-style: chr16-88716196-A-G. GRCh37 (hg19) VCF-style: chr16-88782604-A-G.
Identifiers: ClinVar variation 4851640 (VCV004851640.1).
Genomic context (GRCh38, chr16:88,716,196, plus strand): 5'-AGATCGTTGAGGCCGCAGGTCACCCCTCTCTAGCCTCCCCCAACCCCCACGCCCATACTC[A>G]CTGGGCTGCAGCTGCTTCACAGGGTTGGCTTCGGGCCCGTTGGGGGCACGGATGTACTTG-3'